The following is an entry in ClinVar:

NM_000203.5(IDUA):c.568_581del (p.Asn190fs)

Gene: IDUA (alpha-L-iduronidase; plus strand). Cytogenetic location: 4p16.3.
Variant type: Deletion.
Coding change: c.568_581del on transcript NM_000203.5 (MANE Select); coding-DNA positions 568 to 581, 14 bases deleted (AACGTCTCCATGAC).
Protein change: p.Asn190fs; shifts the reading frame from asparagine 190.
Molecular consequence: frameshift variant. On other transcripts: non-coding transcript variant (1).
Genome position (GRCh38, 1-based): chr4:1,001,542-1,001,555, AACGTCTCCATGAC deleted; deleting any 14 consecutive bases within chr4:1,001,538-1,001,555 gives the same sequence; the c. name uses the placement nearest the transcript's 3' end. VCF-style (leftmost placement, unchanged base first): chr4-1001537-TTGACAACGTCTCCA-T. GRCh37 (hg19) VCF-style: chr4-995325-TTGACAACGTCTCCA-T.
Other names: NM_000203.5(IDUA):c.568_581del; p.Asn190fs; c.172_185del, p.Asn58fs (NM_001363576.1); short protein forms N190fs, N58fs.
Identifiers: ClinVar variation 3639714 (VCV003639714.3), dbSNP rs759639526.
Genomic context (GRCh38, chr4:1,001,537, plus strand): 5'-GACTGGCGCATGTTTCCAAGTGGAACTTCGAGACGTGGAATGAGCCAGACCACCACGACT[TTGACAACGTCTCCA>T]TGACCATGCAAGGTGTGCACCGCTTCCTGGGGTCCTGCCCGGCTGAAAGGGGGCAGAGGA-3'

ClinVar aggregate classification (germline): Pathogenic. Review status: reviewed by expert panel (3 of 4 stars). 3 submissions from 3 submitters: Pathogenic (1). 2 of the submissions do not count toward it. Last evaluated 2026-02-02.

Conditions:
Mucopolysaccharidosis type 1. Also called: IDUA deficiency; MPS I; Mucopolysaccharidosis Type I. Identifiers: Orphanet 579, MedGen C0023786, MONDO:0001586.

Submissions (3):

ClinGen Lysosomal Storage Disorder Variant Curation Expert Panel
Classification: Pathogenic for Mucopolysaccharidosis type 1. Last evaluated: 2026-02-02. Review status: reviewed by expert panel. Criteria: ClinGen LSD ACMG Specifications IDUA V1.2.0. Collection method: curation. Allele origin: germline. Inheritance: Autosomal recessive inheritance.
Comment: The NM_000203.5:c.568_581del (p.Asn190fs) variant in IDUA is a frameshift variant predicted to cause a premature stop codon in biologically relevant exon 5/20, leading to nonsense-mediated decay in a gene in which loss-of-function is an established disease mechanism (PVS1). At least 3 patients with this variant had documented clinical features specific to MPS I, including coarse facies, hepatosplenomegaly, joint contractures, corneal opacity, recurrent infections, and intellectual disability (PMID: 33301762) (PP4_Moderate). Of those individuals, 1 was compound heterozygous for the variant and a variant (c.1469T>C) that has been classified as likely pathogenic by the ClinGen Lysosomal Diseases VCEP. 2 individuals were homozygous for the variant. (Points = 1.25, PMID: 33301762) (PM3). This variant is absent in gnomAD v4.1.0. (PM2_Supporting). There is a ClinVar entry for this variant (Variation ID: 3639714. In summary, this variant meets the criteria to be classified as Pathogenic for MPS I based on the IDUA-specific ACMG/AMP criteria applied, as specified by the ClinGen Lysosomal Diseases Variant Curation Expert Panel (Specifications Version 1.2.0): PVS1, PP4_Moderate, PM3, PM2_Supporting (Classification approved by the ClinGen Lysosomal Diseases Variant Curation Expert Panel on February 2, 2026)

GeneDx
Classification: Pathogenic. Last evaluated: 2024-12-09. Review status: criteria provided, single submitter. Criteria: GeneDx Variant Classification Process June 2021. Collection method: clinical testing. Allele origin: germline. Affected: yes. Not counted in ClinVar's aggregate classification.
Comment: Frameshift variant predicted to result in protein truncation or nonsense mediated decay in a gene for which loss of function is a known mechanism of disease; Not observed at significant frequency in large population cohorts (gnomAD); This variant is associated with the following publications: (PMID: 33301762, 35614200)

Labcorp Genetics (formerly Invitae), Labcorp
Classification: Pathogenic for Mucopolysaccharidosis type 1. Last evaluated: 2024-02-08. Review status: criteria provided, single submitter. Criteria: Invitae Variant Classification Sherloc (09022015). Collection method: clinical testing. Allele origin: germline. Not counted in ClinVar's aggregate classification.
Comment: This sequence change creates a premature translational stop signal (p.Asn190Hisfs*204) in the IDUA gene. It is expected to result in an absent or disrupted protein product. Loss-of-function variants in IDUA are known to be pathogenic (PMID: 11735025, 21480867). This variant is present in population databases (rs759639526, gnomAD 0.003%). This premature translational stop signal has been observed in individual(s) with IDUA-related conditions (PMID: 33301762). For these reasons, this variant has been classified as Pathogenic.

Literature cited by the submitters: PubMed 11735025 (cited by Labcorp Genetics (formerly Invitae), Labcorp); PubMed 21480867 (cited by Labcorp Genetics (formerly Invitae), Labcorp); PubMed 33301762 (cited by Labcorp Genetics (formerly Invitae), Labcorp).